The following is an entry in ClinVar:

ClinVar aggregate classification (germline): Uncertain significance (1 of 4 stars; one submission).

Submission:

Ambry Genetics
Classification: Uncertain significance. Last evaluated: 2025-09-20. Review status: criteria provided, single submitter. Criteria: Ambry Variant Classification Scheme 2023. Collection method: clinical testing. Allele origin: germline.
Comment: The p.V122L variant (also known as c.364G>T), located in coding exon 1 of the MC1R gene, results from a G to T substitution at nucleotide position 364. The valine at codon 122 is replaced by leucine, an amino acid with highly similar properties. This amino acid position is conserved. In addition, this alteration is predicted to be tolerated by in silico analysis. Based on the available evidence, the clinical significance of this variant remains unclear.

NM_002386.4(MC1R):c.364G>T (p.Val122Leu)

Gene: MC1R (melanocortin 1 receptor; plus strand). Cytogenetic location: 16q24.3.
Variant type: single nucleotide variant.
Coding change: c.364G>T on transcript NM_002386.4 (MANE Select); coding-DNA position 364, G replaced by T.
Protein change: p.Val122Leu; replaces valine 122 with leucine.
Molecular consequence: missense variant.
Genome position (GRCh38, 1-based): chr16:89,919,622, G>T. VCF-style: chr16-89919622-G-T. GRCh37 (hg19) VCF-style: chr16-89986030-G-T.
Other names: short protein forms V122L.
Identifiers: ClinVar variation 4550287 (VCV004550287.1).
Genomic context (GRCh38, chr16:89,919,622, plus strand): 5'-GAGGCCGGTGCACTGGTGGCCCGGGCTGCGGTGCTGCAGCAGCTGGACAATGTCATTGAC[G>T]TGATCACCTGCAGCTCCATGCTGTCCAGCCTCTGCTTCCTGGGCGCCATCGCCGTGGACC-3'
Protein context (NP_002377.4, residues 112-132): VLQQLDNVID[Val122Leu]ITCSSMLSSL